The following is an entry in ClinVar:

ClinVar aggregate classification (germline): Uncertain significance. Review status: criteria provided, multiple submitters, no conflicts (2 of 4 stars). 2 submissions from 2 submitters: Uncertain significance (2). Last evaluated 2024-05-15.

Conditions:
Microvascular complications of diabetes, susceptibility to, 3. Identifiers: MedGen C2675470, MONDO:0012963, OMIM 612624.
Hemorrhage, intracerebral, susceptibility to (ICH). Also called: Stroke, hemorrhagic, susceptibility to. Identifiers: MedGen C3281105, MONDO:0100533, OMIM 614519.
Renal tubular dysgenesis of genetic origin. Also called: PRIMITIVE RENAL TUBULE SYNDROME. Identifiers: Orphanet 97369, MedGen C5681536, MONDO:0009970, OMIM 267430.

Allele frequency attached by ClinVar (database versions not stated): gnomAD exomes 0.00006 and 0.00007; ExAC 0.00007; ESP Exome Variant Server 0.00015; gnomAD 0.00025 and 0.00026; 1000 Genomes Project 0.00040; 1000 Genomes Project 30x 0.00047; TOPMed 0.00049.
gnomAD v4.1: 159 of 1,614,200 alleles (0.0099%); highest among the groups gnomAD compares: Admixed American, 0.078%; no homozygotes.

Submissions (2):

Fulgent Genetics
Classification: Uncertain significance for Renal tubular dysgenesis of genetic origin; Microvascular complications of diabetes, susceptibility to, 3; Hemorrhage, intracerebral, susceptibility to. Last evaluated: 2024-05-15. Review status: criteria provided, single submitter. Criteria: ACMG Guidelines, 2015. Collection method: clinical testing. Allele origin: germline.

Labcorp Genetics (formerly Invitae), Labcorp
Classification: Uncertain significance. Last evaluated: 2022-06-17. Review status: criteria provided, single submitter. Criteria: Invitae Variant Classification Sherloc (09022015). Collection method: clinical testing. Allele origin: germline.
Comment: This sequence change replaces arginine, which is basic and polar, with tryptophan, which is neutral and slightly polar, at codon 719 of the ACE protein (p.Arg719Trp). This variant is present in population databases (rs200649158, gnomAD 0.01%). This variant has not been reported in the literature in individuals affected with ACE-related conditions. Algorithms developed to predict the effect of missense changes on protein structure and function (SIFT, PolyPhen-2, Align-GVGD) all suggest that this variant is likely to be disruptive. In summary, the available evidence is currently insufficient to determine the role of this variant in disease. Therefore, it has been classified as a Variant of Uncertain Significance.

NM_000789.4(ACE):c.2155C>T (p.Arg719Trp)

Gene: ACE (angiotensin I converting enzyme; plus strand). Cytogenetic location: 17q23.3.
Variant type: single nucleotide variant.
Coding change: c.2155C>T on transcript NM_000789.4 (MANE Select); coding-DNA position 2155, C replaced by T.
Protein change: p.Arg719Trp; replaces arginine 719 with tryptophan.
Molecular consequence: missense variant. On other transcripts: non-coding transcript variant (1).
Genome position (GRCh38, 1-based): chr17:63,486,653, C>T. VCF-style: chr17-63486653-C-T. GRCh37 (hg19) VCF-style: chr17-61564014-C-T.
Other names: c.433C>T, p.Arg145Trp (NM_001178057.2, NM_152830.3); c.1588C>T, p.Arg530Trp (NM_001382700.1); c.1303C>T, p.Arg435Trp (NM_001382701.1); c.85C>T, p.Arg29Trp (NM_001382702.1); short protein forms R435W, R719W, R530W, R29W, R145W.
Identifiers: ClinVar variation 1445639 (VCV001445639.4), dbSNP rs200649158, ClinGen allele CA8699948.
Genomic context (GRCh38, chr17:63,486,653, plus strand): 5'-AAGTACGGCACCCAGGCCAGGAAGTTTGATGTGAACCAGTTGCAGAACACCACTATCAAG[C>T]GGATCATAAAGAAGGTTCAGGACCTAGAACGGGCAGCACTGCCTGCCCAGGAGCTGGAGG-3'
Protein context (NP_000780.1, residues 709-729): VNQLQNTTIK[Arg719Trp]IIKKVQDLER